The following is an entry in ClinVar:

NM_000548.5(TSC2):c.4148G>C (p.Ser1383Thr)

Gene: TSC2 (TSC complex subunit 2; plus strand). Cytogenetic location: 16p13.3.
Variant type: single nucleotide variant.
Coding change: c.4148G>C on transcript NM_000548.5 (MANE Select); coding-DNA position 4148, G replaced by C.
Protein change: p.Ser1383Thr; replaces serine 1383 with threonine.
Molecular consequence: missense variant.
Genome position (GRCh38, 1-based): chr16:2,084,370, G>C. VCF-style: chr16-2084370-G-C. GRCh37 (hg19) VCF-style: chr16-2134371-G-C.
Other names: c.3980G>C, p.Ser1327Thr (NM_001318832.2); c.3950G>C, p.Ser1317Thr (NM_001363528.2); c.4016G>C, p.Ser1339Thr (NM_001370404.1); c.4019G>C, p.Ser1340Thr (NM_001370405.1, NM_021055.3); c.3947G>C, p.Ser1316Thr (NM_001077183.3); c.4079G>C, p.Ser1360Thr (NM_001114382.3); c.3839G>C, p.Ser1280Thr (NM_001318827.2); c.3803G>C, p.Ser1268Thr (NM_001318829.2); and 1 more; short protein forms S1339T, S1316T, S1317T, S1327T, S1139T, S1383T, S1268T, S1280T.
Identifiers: ClinVar variation 664412 (VCV000664412.9), dbSNP rs1596416285, ClinGen allele CA394299661.
Genomic context (GRCh38, chr16:2,084,370, plus strand): 5'-TCTCCTCGGAGGGTGGCCGGCCCTCTGTGGACCTCTCCTTCCAGCCCTCGCAGCCCCTGA[G>C]CAAGTCCAGCTCCTCTCCCGAGCTGCAGACTCTGCAGGACATCCTCGGGGACCCTGGGGA-3'
Protein context (NP_000539.2, residues 1373-1393): DLSFQPSQPL[Ser1383Thr]KSSSSPELQT

ClinVar aggregate classification (germline): Uncertain significance. Review status: criteria provided, multiple submitters, no conflicts (2 of 4 stars). 2 submissions from 2 submitters: Uncertain significance (2). Last evaluated 2026-07-07.

Conditions:
Tuberous sclerosis 2 (TSC2). Identifiers: Orphanet 805, MedGen C1860707, MONDO:0013199, OMIM 613254.
Hereditary cancer-predisposing syndrome. Also called: Neoplastic Syndromes, Hereditary; Hereditary Cancer Syndrome; Hereditary neoplastic syndrome; Tumor predisposition. Identifiers: Orphanet 140162, MedGen C0027672, MeSH D009386, MONDO:0015356.

Submissions (2):

Ambry Genetics
Classification: Uncertain significance for Hereditary cancer-predisposing syndrome. Last evaluated: 2026-07-07. Review status: criteria provided, single submitter. Criteria: Ambry Variant Classification Scheme 2023. Collection method: clinical testing. Allele origin: germline.
Comment: The p.S1383T variant (also known as c.4148G>C), located in coding exon 33 of the TSC2 gene, results from a G to C substitution at nucleotide position 4148. The serine at codon 1383 is replaced by threonine, an amino acid with similar properties. This amino acid position is conserved. In addition, the in silico prediction for this alteration is inconclusive. Based on the available evidence, the clinical significance of this variant remains unclear.

Labcorp Genetics (formerly Invitae), Labcorp
Classification: Uncertain significance for Tuberous sclerosis 2. Last evaluated: 2021-01-22. Review status: criteria provided, single submitter. Criteria: Invitae Variant Classification Sherloc (09022015). Collection method: clinical testing. Allele origin: germline.
Comment: Algorithms developed to predict the effect of missense changes on protein structure and function are either unavailable or do not agree on the potential impact of this missense change (SIFT: "Tolerated"; PolyPhen-2: "Possibly Damaging"; Align-GVGD: "Class C0"). In summary, the available evidence is currently insufficient to determine the role of this variant in disease. Therefore, it has been classified as a Variant of Uncertain Significance. This variant has not been reported in the literature in individuals with TSC2-related disease. This variant is not present in population databases (ExAC no frequency). This sequence change replaces serine with threonine at codon 1383 of the TSC2 protein (p.Ser1383Thr). The serine residue is moderately conserved and there is a small physicochemical difference between serine and threonine.